The following is an entry in ClinVar:

ClinVar aggregate classification (germline): Uncertain significance (1 of 4 stars; one submission).

Allele frequency attached by ClinVar (database versions not stated): gnomAD exomes 0.00002 and 0.00004; ExAC 0.00003; gnomAD 0.00003; TOPMed 0.00004.
gnomAD v4.1: 67 of 1,612,450 alleles (0.0042%); highest among the groups gnomAD compares: Non-Finnish European, 0.0053%; no homozygotes.

Submission:

Labcorp Genetics (formerly Invitae), Labcorp
Classification: Uncertain significance. Last evaluated: 2021-07-18. Review status: criteria provided, single submitter. Criteria: Invitae Variant Classification Sherloc (09022015). Collection method: clinical testing. Allele origin: germline.
Comment: This sequence change replaces glutamic acid with lysine at codon 116 of the RNASET2 protein (p.Glu116Lys). The glutamic acid residue is weakly conserved and there is a small physicochemical difference between glutamic acid and lysine. This variant is present in population databases (rs754432508, ExAC 0.01%). This variant has not been reported in the literature in individuals affected with RNASET2-related conditions. Algorithms developed to predict the effect of missense changes on protein structure and function (SIFT, PolyPhen-2, Align-GVGD) all suggest that this variant is likely to be tolerated. In summary, the available evidence is currently insufficient to determine the role of this variant in disease. Therefore, it has been classified as a Variant of Uncertain Significance.

NM_003730.6(RNASET2):c.346G>A (p.Glu116Lys)

Gene: RNASET2 (ribonuclease T2; minus strand). Cytogenetic location: 6q27.
Variant type: single nucleotide variant.
Coding change: c.346G>A on transcript NM_003730.6 (MANE Select); coding-DNA position 346, G replaced by A.
Protein change: p.Glu116Lys; replaces glutamic acid 116 with lysine.
Molecular consequence: missense variant.
Genome position (GRCh38, 1-based): chr6:166,938,995, C>T on the plus strand (G>A on the coding strand, the complement: RNASET2 is on the minus strand). VCF-style: chr6-166938995-C-T. GRCh37 (hg19) VCF-style: chr6-167352483-C-T.
Other names: short protein forms E116K.
Identifiers: ClinVar variation 1370346 (VCV001370346.8), dbSNP rs754432508, ClinGen allele CA4095026.